The following is an entry in ClinVar:

ClinVar aggregate classification (germline): Uncertain significance (1 of 4 stars; one submission).

Conditions:
Cardiomyopathy (CMYO). Also called: Cardiomyopathies. Identifiers: Orphanet 167848, MedGen C0878544, MONDO:0004994, HP:0001638. Inheritance: Various modes of inheritance.

Submission:

Color Diagnostics, LLC DBA Color Health
Classification: Uncertain significance for Cardiomyopathy. Last evaluated: 2025-08-25. Review status: criteria provided, single submitter. Criteria: ACMG Guidelines, 2015. Collection method: clinical testing. Allele origin: germline.
Comment: This variant causes a substitution of two nucleotides at +4 and +5 position in intron 8 of the DSG2 gene. To our knowledge, functional studies have not been reported for this variant. This variant has not been reported in individuals affected with DSG2-related disorders in the literature. This variant has not been identified in the general population by the Genome Aggregation Database (gnomAD). The available evidence is insufficient to determine the role of this variant in disease conclusively. Therefore, this variant is classified as a Variant of Uncertain Significance.

NM_001943.5(DSG2):c.1014+4_1014+5delinsGA

Gene: DSG2 (desmoglein 2; plus strand). Cytogenetic location: 18q12.1.
Variant type: Indel.
Coding change: c.1014+4_1014+5delinsGA on transcript NM_001943.5 (MANE Select); bases 4 to 5 of the intron after coding-DNA position 1014, AG replaced by GA.
Molecular consequence: intron variant.
Genome position (GRCh38, 1-based): chr18:31,524,892-31,524,893, AG replaced by GA. VCF-style: chr18-31524892-AG-GA. GRCh37 (hg19) VCF-style: chr18-29104855-AG-GA.
Identifiers: ClinVar variation 4757875 (VCV004757875.1).